The following is an entry in ClinVar:

NM_138711.6(PPARG):c.466A>G (p.Ser156Gly)

Gene: PPARG (peroxisome proliferator activated receptor gamma; plus strand). Cytogenetic location: 3p25.2.
Variant type: single nucleotide variant.
Coding change: c.466A>G on transcript NM_138711.6 (MANE Select); coding-DNA position 466, A replaced by G.
Protein change: p.Ser156Gly; replaces serine 156 with glycine.
Molecular consequence: missense variant. On other transcripts: synonymous variant (1).
Genome position (GRCh38, 1-based): chr3:12,392,689, A>G. VCF-style: chr3-12392689-A-G. GRCh37 (hg19) VCF-style: chr3-12434188-A-G.
Other names: c.466A>G, p.Ser156Gly (NM_001330615.4, NM_001354666.3, NM_001354667.3 and 6 more transcripts); c.556A>G, p.Ser186Gly (NM_001354668.2, NM_001374265.1, NM_015869.5); c.39A>G, p.Lys13= (NM_001354669.2); c.472A>G, p.Ser158Gly (NM_001354670.2, NM_001374266.1); c.556A>G (NM_015869.4); short protein forms S156G, S158G, S186G.
Identifiers: ClinVar variation 2175038 (VCV002175038.5), dbSNP rs1421126930, ClinGen allele CA351618409.

ClinVar aggregate classification (germline): Uncertain significance. Review status: criteria provided, multiple submitters, no conflicts (2 of 4 stars). 2 submissions from 2 submitters: Uncertain significance (2). Last evaluated 2026-04-07.

Conditions:
PPARG-related disorder. Also called: PPARG-related condition; PPARG-related disorders.

Allele frequency attached by ClinVar (database versions not stated): gnomAD 0.00011; TOPMed 0.00019.
gnomAD v4.1: 30 of 1,613,850 alleles (0.0019%); highest among the groups gnomAD compares: Admixed American, 0.05%; no homozygotes.

Submissions (2):

PreventionGenetics, part of Exact Sciences
Classification: Uncertain significance for PPARG-related condition. Last evaluated: 2026-04-07. Review status: criteria provided, single submitter. Criteria: ACMG Guidelines, 2015. Collection method: clinical testing. Allele origin: germline.
Comment: The PPARG c.556A>G variant is predicted to result in the amino acid substitution p.Ser186Gly. This variant was reported in an individual with early-onset type 2 diabetes (Gong et al. 2021. PubMed ID: 34764936). A functional assay indicated that the p.Ser186Gly substitution may affect the function of the PPARgamma protein (Gong et al. 2021. PubMed ID: 34764936).This variant is reported in 0.023% of alleles in individuals of Latino descent in gnomAD. Although we suspect that this variant may be pathogenic, at this time its clinical significance is uncertain due to the absence of conclusive functional and genetic evidence.

Labcorp Genetics (formerly Invitae), Labcorp
Classification: Uncertain significance. Last evaluated: 2024-09-09. Review status: criteria provided, single submitter. Criteria: Invitae Variant Classification Sherloc (09022015). Collection method: clinical testing. Allele origin: germline.
Comment: This sequence change replaces serine, which is neutral and polar, with glycine, which is neutral and non-polar, at codon 186 of the PPARG protein (p.Ser186Gly). This variant is present in population databases (no rsID available, gnomAD 0.02%). This missense change has been observed in individual(s) with early-onset type 2 diabetes (PMID: 34764936). ClinVar contains an entry for this variant (Variation ID: 2175038). Invitae Evidence Modeling of protein sequence and biophysical properties (such as structural, functional, and spatial information, amino acid conservation, physicochemical variation, residue mobility, and thermodynamic stability) indicates that this missense variant is not expected to disrupt PPARG protein function with a negative predictive value of 80%. Experimental studies have shown that this missense change affects PPARG function (PMID: 34764936). Algorithms developed to predict the effect of sequence changes on RNA splicing suggest that this variant may create or strengthen a splice site. In summary, the available evidence is currently insufficient to determine the role of this variant in disease. Therefore, it has been classified as a Variant of Uncertain Significance.

Literature cited by the submitters: PubMed 34764936 (cited by Labcorp Genetics (formerly Invitae), Labcorp).